The following is an entry in ClinVar:

NM_006361.6(HOXB13):c.-5G>T

Gene: HOXB13 (homeobox B13; minus strand). Cytogenetic location: 17q21.32.
Variant type: single nucleotide variant.
Coding change: c.-5G>T on transcript NM_006361.6 (MANE Select); 5 bases upstream of the start codon, G replaced by T.
Molecular consequence: 5 prime UTR variant.
Genome position (GRCh38, 1-based): chr17:48,728,598, C>A on the plus strand (G>T on the coding strand, the complement: HOXB13 is on the minus strand). VCF-style: chr17-48728598-C-A. GRCh37 (hg19) VCF-style: chr17-46805960-C-A.
Identifiers: ClinVar variation 826120 (VCV000826120.6), dbSNP rs1567701739, ClinGen allele CA915950519.
Genomic context (GRCh38, chr17:48,728,598, plus strand): 5'-AGCAAGCCTTCGATATCCTTGGCTCCATCCAAGGTGGCATAATTGCCGGGCTCCATGGAG[C>A]CGAGGGTCGGCTCATGAGGTGCGGGGGCGGGGAATCTAGGGGGCACCCAGCTCGCTCTCC-3'

ClinVar aggregate classification (germline): Uncertain significance (1 of 4 stars; one submission).

Conditions:
Hereditary cancer-predisposing syndrome. Also called: Neoplastic Syndromes, Hereditary; Tumor predisposition; Hereditary neoplastic syndrome; Hereditary Cancer Syndrome. Identifiers: Orphanet 140162, MedGen C0027672, MeSH D009386, MONDO:0015356.

gnomAD v4.1: 4 of 1,611,478 alleles (0.00025%); highest among the groups gnomAD compares: East Asian, 0.0067%; no homozygotes.

Submission:

Ambry Genetics
Classification: Uncertain significance for Hereditary cancer-predisposing syndrome. Last evaluated: 2025-05-28. Review status: criteria provided, single submitter. Criteria: Ambry Variant Classification Scheme 2023. Collection method: clinical testing. Allele origin: germline.
Comment: The c.-5G>T variant is located in the 5' untranslated region (5&rsquo; UTR) of the HOXB13 gene. This variant results from a G to T substitution 5 bases upstream from the first translated codon. This nucleotide position is highly conserved in available vertebrate species. Based on the available evidence, the clinical significance of this variant remains unclear.